The following is an entry in ClinVar:

NM_001035.3(RYR2):c.12780T>C (p.Ser4260=)

Genes: RYR2 (ryanodine receptor 2; plus strand), LOC126806068 (BRD4-independent group 4 enhancer GRCh37_chr1:237947411-237948610; plus strand). Cytogenetic location: 1q43.
Variant type: single nucleotide variant.
Coding change: c.12780T>C on transcript NM_001035.3 (MANE Select); coding-DNA position 12780, T replaced by C.
Protein change: p.Ser4260=; no amino-acid change (serine 4260 retained).
Molecular consequence: synonymous variant.
Genome position (GRCh38, 1-based): chr1:237,784,492, T>C. VCF-style: chr1-237784492-T-C. GRCh37 (hg19) VCF-style: chr1-237947792-T-C.
Identifiers: ClinVar variation 2723022 (VCV002723022.5), dbSNP rs747941271, ClinGen allele CA085233.

ClinVar aggregate classification (germline): Likely benign. Review status: criteria provided, multiple submitters, no conflicts (2 of 4 stars). 3 submissions from 3 submitters: Likely benign (3). Last evaluated 2023-05-15.

Conditions:
Catecholaminergic polymorphic ventricular tachycardia (CVPT). Also called: Catecholamine-induced polymorphic ventricular tachycardia. Identifiers: Orphanet 3286, MedGen C5574922, MONDO:0017990.
Catecholaminergic polymorphic ventricular tachycardia 1. Also called: VENTRICULAR TACHYCARDIA, STRESS-INDUCED POLYMORPHIC 1; RYR2-Related Catecholaminergic Polymorphic Ventricular Tachycardia; VENTRICULAR TACHYCARDIA, CATECHOLAMINERGIC POLYMORPHIC, 1, WITH OR WITHOUT ATRIAL DYSFUNCTION AND/OR DILATED CARDIOMYOPATHY. Identifiers: Orphanet 3286, MedGen C1631597, MONDO:0011484, OMIM 604772.
Cardiomyopathy (CMYO). Also called: Cardiomyopathies. Identifiers: Orphanet 167848, MedGen C0878544, MONDO:0004994, HP:0001638. Inheritance: Various modes of inheritance.

Allele frequency attached by ClinVar (database versions not stated): ExAC 0.00001; gnomAD exomes 0.00001.
gnomAD v4.1: 4 of 1,613,512 alleles (0.00025%); highest among the groups gnomAD compares: Non-Finnish European, 0.00034%; no homozygotes.

Submissions (3):

Labcorp Genetics (formerly Invitae), Labcorp
Classification: Likely benign for Catecholaminergic polymorphic ventricular tachycardia 1. Last evaluated: 2023-05-15. Review status: criteria provided, single submitter. Criteria: Invitae Variant Classification Sherloc (09022015). Collection method: clinical testing. Allele origin: germline.

All of Us Research Program, National Institutes of Health
Classification: Likely benign for Catecholaminergic polymorphic ventricular tachycardia. Last evaluated: 2023-04-03. Review status: criteria provided, single submitter. Criteria: ACMG Guidelines, 2015. Collection method: clinical testing. Allele origin: germline. Inheritance: Autosomal dominant inheritance. Observed: 1 variant allele, 1 heterozygote.
Comment: This study involves interpretation of variants in research participants for the purpose of population health screening. Participant phenotype was not available at the time of variant classification. Additional details can be found in publication PMID: 35346344, PMCID: PMC8962531

Color Diagnostics, LLC DBA Color Health
Classification: Likely benign for Cardiomyopathy. Last evaluated: 2022-09-06. Review status: criteria provided, single submitter. Criteria: ACMG Guidelines, 2015. Collection method: clinical testing. Allele origin: germline.